The following is an entry in ClinVar:

ClinVar aggregate classification (germline): Uncertain significance (1 of 4 stars; one submission).

Conditions:
Normophosphatemic familial tumoral calcinosis. Also called: CALCINOSIS, TUMORAL, WITH NORMOPHOSPHATEMIA. Identifiers: Orphanet 306658, Orphanet 53715, MedGen C1864861, MONDO:0012502, OMIM 610455.

Submission:

Myriad Genetics, Inc.
Classification: Uncertain significance for Normophosphatemic familial tumoral calcinosis. Last evaluated: 2026-01-28. Review status: criteria provided, single submitter. Criteria: Myriad Autosomal Dominant, Autosomal Recessive and X-Linked Classification Criteria (2023). Collection method: clinical testing. Allele origin: unknown.
Comment: NM_017654.3(SAMD9):c.2403dupT(E802*) is a nonsense variant classified as a variant of uncertain significance in the context of normophosphatemic familial tumoral calcinosis. E802* has not been observed in cases with relevant disease. Relevant functional assessments of this variant are not available in the literature. E802* has not been observed in referenced population frequency databases. In summary, there is insufficient evidence to classify NM_017654.3(SAMD9):c.2403dupT(E802*) as pathogenic or benign. Please note: this variant was assessed in the context of healthy population screening.

NM_017654.4(SAMD9):c.2403dup (p.Glu802Ter)

Gene: SAMD9 (sterile alpha motif domain containing 9; minus strand). Cytogenetic location: 7q21.2.
Variant type: Duplication.
Coding change: c.2403dup on transcript NM_017654.4 (MANE Select); coding-DNA position 2403, one base duplicated (T; older notation c.2403dupT).
Protein change: p.Glu802Ter; replaces glutamic acid 802 with a stop codon.
Molecular consequence: nonsense.
Genome position (GRCh38, 1-based): chr7:93,103,695, A duplicated on the plus strand (T on the coding strand, the reverse complement: SAMD9 is on the minus strand); the first of 4 consecutive A bases (chr7:93,103,695-93,103,698); duplicating any one gives the same sequence. VCF-style (leftmost placement, unchanged base first): chr7-93103694-C-CA. GRCh37 (hg19) VCF-style: chr7-92733007-C-CA.
Other names: c.2403dup, p.Glu802Ter (NM_001193307.2); short protein forms E802*.
Identifiers: ClinVar variation 5004431 (VCV005004431.1).